The following is an entry in ClinVar:

ClinVar aggregate classification (germline): Uncertain significance (1 of 4 stars; one submission).

Submission:

Ambry Genetics
Classification: Uncertain significance. Last evaluated: 2021-12-06. Review status: criteria provided, single submitter. Criteria: Ambry Variant Classification Scheme 2023. Collection method: clinical testing. Allele origin: germline.
Comment: The p.H935Y variant (also known as c.2803C>T), located in coding exon 25 of the PRKDC gene, results from a C to T substitution at nucleotide position 2803. The histidine at codon 935 is replaced by tyrosine, an amino acid with similar properties. This amino acid position is conserved. In addition, this alteration is predicted to be deleterious by in silico analysis. Since supporting evidence is limited at this time, the clinical significance of this alteration remains unclear.

NM_006904.7(PRKDC):c.2803C>T (p.His935Tyr)

Gene: PRKDC (protein kinase, DNA-activated, catalytic subunit; minus strand). Cytogenetic location: 8q11.21.
Variant type: single nucleotide variant.
Coding change: c.2803C>T on transcript NM_006904.7 (MANE Select); coding-DNA position 2803, C replaced by T.
Protein change: p.His935Tyr; replaces histidine 935 with tyrosine.
Molecular consequence: missense variant.
Genome position (GRCh38, 1-based): chr8:47,912,541, G>A on the plus strand (C>T on the coding strand, the complement: PRKDC is on the minus strand). VCF-style: chr8-47912541-G-A. GRCh37 (hg19) VCF-style: chr8-48825101-G-A.
Other names: c.2803C>T, p.His935Tyr (NM_001081640.2); short protein forms H935Y.
Identifiers: ClinVar variation 1796240 (VCV001796240.2), dbSNP rs2551876677, ClinGen allele CA371158933.
Genomic context (GRCh38, chr8:47,912,541, plus strand): 5'-CTCCCTGTCCCCCTTCTGGCATCTGCGTGGCTTTGCCCAACATAAACATAACCATGCTAT[G>A]TAAAAGTTCACAGGCTGCAACCTAAAACAGACCAGGAGGTCAGCAATGTTTAAGTTATCA-3'
Protein context (NP_008835.5, residues 925-945): QTKVAACELL[His935Tyr]SMVMFMLGKA